The following is an entry in ClinVar:

NM_001271.4(CHD2):c.1422T>C (p.Pro474=)

Gene: CHD2 (chromodomain helicase DNA binding protein 2; plus strand). Cytogenetic location: 15q26.1.
Variant type: single nucleotide variant.
Coding change: c.1422T>C on transcript NM_001271.4 (MANE Select); coding-DNA position 1422, T replaced by C.
Protein change: p.Pro474=; no amino-acid change (proline 474 retained).
Molecular consequence: synonymous variant.
Genome position (GRCh38, 1-based): chr15:92,948,996, T>C. VCF-style: chr15-92948996-T-C. GRCh37 (hg19) VCF-style: chr15-93492226-T-C.
Other names: c.1422T>C, p.Pro474= (NM_001042572.3).
Identifiers: ClinVar variation 3344118 (VCV003344118.1).
Genomic context (GRCh38, chr15:92,948,996, plus strand): 5'-GGCTTTTGTTTTTCAGGCCCTGAAGCAGAGACCACGATTTGTAGCTTTAAAGAAACAACC[T>C]GCATATTTAGGAGGGGAGAATCTGGAACTTCGAGATTATCAGCTAGAAGGTCTAAACTGG-3'
Protein context (NP_001262.3, residues 464-484): RPRFVALKKQ[Pro474=]AYLGGENLEL

ClinVar aggregate classification (germline): Likely benign (0 of 4 stars; one submission).

Conditions:
CHD2-related disorder. Also called: CHD2-related condition.

Submission:

PreventionGenetics, part of Exact Sciences
Classification: Likely benign for CHD2-related condition. Last evaluated: 2024-05-17. Review status: no assertion criteria provided. Collection method: clinical testing. Allele origin: germline.
Comment: This variant is classified as likely benign based on ACMG/AMP sequence variant interpretation guidelines (Richards et al. 2015 PMID: 25741868, with internal and published modifications).